The following is an entry in ClinVar:

NM_000094.4(COL7A1):c.3463C>T (p.Gln1155Ter)

Gene: COL7A1 (collagen type VII alpha 1 chain; minus strand). Cytogenetic location: 3p21.31.
Variant type: single nucleotide variant.
Coding change: c.3463C>T on transcript NM_000094.4 (MANE Select); coding-DNA position 3463, C replaced by T.
Protein change: p.Gln1155Ter; replaces glutamine 1155 with a stop codon.
Molecular consequence: nonsense.
Genome position (GRCh38, 1-based): chr3:48,586,419, G>A on the plus strand (C>T on the coding strand, the complement: COL7A1 is on the minus strand). VCF-style: chr3-48586419-G-A. GRCh37 (hg19) VCF-style: chr3-48623852-G-A.
Other names: short protein forms Q1155*.
Identifiers: ClinVar variation 4817368 (VCV004817368.1).

ClinVar aggregate classification (germline): Likely pathogenic (1 of 4 stars; one submission).

Conditions:
Epidermolysis bullosa dystrophica. Also called: Dystrophic epidermolysis bullosa, Hallopeau-Siemens type (formerly); Dystrophic epidermolysis bullosa. Identifiers: Orphanet 303, MedGen C0079294, MONDO:0006543.

Submission:

Natera, Inc.
Classification: Likely pathogenic for Dystrophic epidermolysis bullosa. Last evaluated: 2025-09-17. Review status: criteria provided, single submitter. Criteria: Natera Variant Classification Schema (03/2026). Collection method: clinical testing. Allele origin: germline.
Comment: The c.3463C>T variant in COL7A1 is a nonsense variant predicted to introduce a stop codon at amino acid 1155. This variant is expected to result in nonsense mediated decay, truncation, or a dysfunctional protein product. This variant is rare in the general population with a frequency below the threshold expected for the associated phenotype(s). Given the available evidence, this variant is classified as Likely Pathogenic.